The following is an entry in ClinVar:

NM_004836.7(EIF2AK3):c.424C>G (p.Leu142Val)

Gene: EIF2AK3 (eukaryotic translation initiation factor 2 alpha kinase 3; minus strand). Cytogenetic location: 2p11.2.
Variant type: single nucleotide variant.
Coding change: c.424C>G on transcript NM_004836.7 (MANE Select); coding-DNA position 424, C replaced by G.
Protein change: p.Leu142Val; replaces leucine 142 with valine.
Molecular consequence: missense variant. On other transcripts: 5 prime UTR variant (1).
Genome position (GRCh38, 1-based): chr2:88,613,738, G>C on the plus strand (C>G on the coding strand, the complement: EIF2AK3 is on the minus strand). VCF-style: chr2-88613738-G-C. GRCh37 (hg19) VCF-style: chr2-88913256-G-C.
Other names: c.-30C>G (NM_001313915.2); short protein forms L142V.
Identifiers: ClinVar variation 3672932 (VCV003672932.2).

ClinVar aggregate classification (germline): Uncertain significance (1 of 4 stars; one submission).

Submission:

Labcorp Genetics (formerly Invitae), Labcorp
Classification: Uncertain significance. Last evaluated: 2024-07-06. Review status: criteria provided, single submitter. Criteria: Invitae Variant Classification Sherloc (09022015). Collection method: clinical testing. Allele origin: germline.
Comment: This sequence change replaces leucine, which is neutral and non-polar, with valine, which is neutral and non-polar, at codon 142 of the EIF2AK3 protein (p.Leu142Val). This variant is not present in population databases (gnomAD no frequency). This variant has not been reported in the literature in individuals affected with EIF2AK3-related conditions. An algorithm developed to predict the effect of missense changes on protein structure and function (PolyPhen-2) suggests that this variant is likely to be tolerated. In summary, the available evidence is currently insufficient to determine the role of this variant in disease. Therefore, it has been classified as a Variant of Uncertain Significance.